The following is an entry in ClinVar:

NM_006231.4(POLE):c.2668_2677del (p.Ile890fs)

Gene: POLE (DNA polymerase epsilon, catalytic subunit; minus strand). Cytogenetic location: 12q24.33.
Variant type: Deletion.
Coding change: c.2668_2677del on transcript NM_006231.4 (MANE Select); coding-DNA positions 2668 to 2677, 10 bases deleted (ATCTCCTACC; older notation c.2668_2677delATCTCCTACC).
Protein change: p.Ile890fs; shifts the reading frame from isoleucine 890.
Molecular consequence: frameshift variant.
Genome position (GRCh38, 1-based): chr12:132,664,033-132,664,042, GGTAGGAGAT deleted on the plus strand (ATCTCCTACC on the coding strand, the reverse complement: POLE is on the minus strand); deleting any 10 consecutive bases within chr12:132,664,033-132,664,045 gives the same sequence; the c. name uses the placement nearest the transcript's 3' end. VCF-style (leftmost placement, unchanged base first): chr12-132664032-GGGTAGGAGAT-G. GRCh37 (hg19) VCF-style: chr12-133240618-GGGTAGGAGAT-G.
Other names: c.2668_2677del10 (NM_006231.2); short protein forms I890fs.
Identifiers: ClinVar variation 2081477 (VCV002081477.5), dbSNP rs2542062300, ClinGen allele CA2580085994.

ClinVar aggregate classification (germline): Conflicting classifications of pathogenicity. Review status: criteria provided, conflicting classifications (1 of 4 stars). 2 submissions from 2 submitters: Pathogenic (1); Uncertain significance (1). Last evaluated 2026-04-22.

Conditions:
Hereditary cancer-predisposing syndrome. Also called: Neoplastic Syndromes, Hereditary; Tumor predisposition; Hereditary Cancer Syndrome; Hereditary neoplastic syndrome. Identifiers: Orphanet 140162, MedGen C0027672, MeSH D009386, MONDO:0015356.

Submissions (2):

Ambry Genetics
Classification: Uncertain significance for Hereditary cancer-predisposing syndrome. Last evaluated: 2026-04-22. Review status: criteria provided, single submitter. Criteria: Ambry Variant Classification Scheme 2023. Collection method: clinical testing. Allele origin: germline.
Comment: The c.2668_2677del10 variant, located in coding exon 23 of the POLE gene, results from a deletion of 10 nucleotides at nucleotide positions 2668 to 2677, causing a translational frameshift with a predicted alternate stop codon (p.I890Qfs*5). This alteration is expected to result in loss of function by premature protein truncation or nonsense-mediated mRNA decay. Although biallelic loss of function of POLE has been associated with autosomal recessive POLE deficiency, haploinsufficiency of POLE has not been established as a mechanism of disease for POLE-related polymerase proofreading-associated polyposis (PPAP) and POLE-related CMMRD-like syndrome. Based on the supporting evidence, this variant is expected to be causative of POLE deficiency when present along with a second pathogenic variant on the other allele; however, its clinical significance for PPAP and POLE-related CMMRD-like syndrome is unclear.

Labcorp Genetics (formerly Invitae), Labcorp
Classification: Pathogenic. Last evaluated: 2025-04-14. Review status: criteria provided, single submitter. Criteria: Invitae Variant Classification Sherloc (09022015). Collection method: clinical testing. Allele origin: germline.
Comment: This sequence change creates a premature translational stop signal (p.Ile890Glnfs*5) in the POLE gene. It is expected to result in an absent or disrupted protein product. Loss-of-function variants in POLE are known to be pathogenic (PMID: 23230001, 25948378, 30503519). This variant is not present in population databases (gnomAD no frequency). This variant has not been reported in the literature in individuals affected with POLE-related conditions. ClinVar contains an entry for this variant (Variation ID: 2081477). For these reasons, this variant has been classified as Pathogenic.

Literature cited by the submitters: PubMed 23230001 (cited by Labcorp Genetics (formerly Invitae), Labcorp); PubMed 25948378 (cited by Labcorp Genetics (formerly Invitae), Labcorp); PubMed 30503519 (cited by Labcorp Genetics (formerly Invitae), Labcorp).